The following is an entry in ClinVar:

NM_005050.4(ABCD4):c.425+6C>T

Gene: ABCD4 (ATP binding cassette subfamily D member 4; minus strand). Cytogenetic location: 14q24.3.
Variant type: single nucleotide variant.
Coding change: c.425+6C>T on transcript NM_005050.4 (MANE Select); 6 bases into the intron after coding-DNA position 425, C replaced by T.
Molecular consequence: intron variant.
Genome position (GRCh38, 1-based): chr14:74,297,924, G>A on the plus strand (C>T on the coding strand, the complement: ABCD4 is on the minus strand). VCF-style: chr14-74297924-G-A. GRCh37 (hg19) VCF-style: chr14-74764627-G-A.
Other names: c.-270+6C>T (NM_001353607.2, NM_001353603.2, NM_001353606.2 and 3 more transcripts); c.-53+6C>T (NM_001353598.2, NM_001353600.2); c.164+6C>T (NM_001353594.2, NM_001353593.2); c.-269-1475C>T (NM_001353604.2); c.-52-1475C>T (NM_001353601.2, NM_020324.3, NM_001353599.2); c.16+6C>T (NM_001353597.2, NM_001353596.2, NM_001353595.2); c.-264-1475C>T (NM_001353608.2); c.425+6C>T (NM_001353591.2, NM_001353592.2, NM_020325.3); and 1 more.
Identifiers: ClinVar variation 1399611 (VCV001399611.6), dbSNP rs368213518, ClinGen allele CA7267226.

ClinVar aggregate classification (germline): Uncertain significance. Review status: criteria provided, multiple submitters, no conflicts (2 of 4 stars). 2 submissions from 2 submitters: Uncertain significance (2). Last evaluated 2026-01-08.

Conditions:
Methylmalonic acidemia with homocystinuria, type cblJ (MAHCJ). Also called: METHYLMALONIC ACIDURIA AND HOMOCYSTINURIA, cblJ TYPE. Identifiers: Orphanet 369955, MedGen C3553915, MONDO:0013925, OMIM 614857.

Allele frequency attached by ClinVar (database versions not stated): gnomAD exomes 0.00004 and 0.00015; TOPMed 0.00004; gnomAD 0.00007 and 0.00009; ESP Exome Variant Server 0.00015; ExAC 0.00018; 1000 Genomes Project 30x 0.00078; 1000 Genomes Project 0.00080.
gnomAD v4.1: 80 of 1,612,152 alleles (0.005%); highest among the groups gnomAD compares: South Asian, 0.057%; no homozygotes.

Submissions (2):

Women's Health and Genetics/Laboratory Corporation of America, LabCorp
Classification: Uncertain significance. Last evaluated: 2026-01-08. Review status: criteria provided, single submitter. Criteria: LabCorp Variant Classification Summary - May 2015. Collection method: clinical testing. Allele origin: germline.
Comment: Variant summary: ABCD4 c.425+6C>T alters a conserved nucleotide located close to a canonical splice site and therefore could affect mRNA splicing, leading to a significantly altered protein sequence. Consensus agreement among computation tools predict no significant impact on normal splicing. However, these predictions have yet to be confirmed by functional studies. The variant allele was found at a frequency of 0.00015 in 249252 control chromosomes (gnomAD). This frequency is not significantly higher than estimated for disease-causing variants in ABCD4, allowing no conclusion about variant significance. c.425+6C>T has been observed in one individual affected with glycosylphosphatidylinositol biosynthesis defect with epileptic encephalopathy and delayed myelination (do Rosario_2022). The report does not provide unequivocal conclusions about association of the variant with Methylmalonic Acidemia With Homocystinuria. To our knowledge, no experimental evidence demonstrating an impact on protein function has been reported. The following publication have been ascertained in the context of this evaluation (PMID: 35445667). ClinVar contains an entry for this variant (Variation ID: 1399611). Based on the evidence outlined above, the variant was classified as uncertain significance.

Labcorp Genetics (formerly Invitae), Labcorp
Classification: Uncertain significance for Methylmalonic acidemia with homocystinuria, type cblJ. Last evaluated: 2023-11-27. Review status: criteria provided, single submitter. Criteria: Invitae Variant Classification Sherloc (09022015). Collection method: clinical testing. Allele origin: germline.
Comment: This sequence change falls in intron 4 of the ABCD4 gene. It does not directly change the encoded amino acid sequence of the ABCD4 protein. It affects a nucleotide within the consensus splice site. This variant is present in population databases (rs368213518, gnomAD 0.1%). This variant has not been reported in the literature in individuals affected with ABCD4-related conditions. ClinVar contains an entry for this variant (Variation ID: 1399611). Variants that disrupt the consensus splice site are a relatively common cause of aberrant splicing (PMID: 17576681, 9536098). Algorithms developed to predict the effect of sequence changes on RNA splicing suggest that this variant is not likely to affect RNA splicing. In summary, the available evidence is currently insufficient to determine the role of this variant in disease. Therefore, it has been classified as a Variant of Uncertain Significance.

Literature cited by the submitters: PubMed 35445667 (cited by Women's Health and Genetics/Laboratory Corporation of America, LabCorp); PubMed 17576681 (cited by Labcorp Genetics (formerly Invitae), Labcorp); PubMed 9536098 (cited by Labcorp Genetics (formerly Invitae), Labcorp).